The following is an entry in ClinVar:

NM_021167.5(GATAD1):c.379A>G (p.Ile127Val)

Gene: GATAD1 (GATA zinc finger domain containing 1; plus strand). Cytogenetic location: 7q21.2.
Variant type: single nucleotide variant.
Coding change: c.379A>G on transcript NM_021167.5 (MANE Select); coding-DNA position 379, A replaced by G.
Protein change: p.Ile127Val; replaces isoleucine 127 with valine.
Molecular consequence: missense variant. On other transcripts: non-coding transcript variant (1).
Genome position (GRCh38, 1-based): chr7:92,450,704, A>G. VCF-style: chr7-92450704-A-G. GRCh37 (hg19) VCF-style: chr7-92080018-A-G.
Other names: c.379A>G (NM_021167.3); short protein forms I127V.
Identifiers: ClinVar variation 3621655 (VCV003621655.4).

ClinVar aggregate classification (germline): Uncertain significance. Review status: criteria provided, multiple submitters, no conflicts (2 of 4 stars). 2 submissions from 2 submitters: Uncertain significance (2). Last evaluated 2025-07-21.

Conditions:
Dilated cardiomyopathy 2B. Identifiers: Orphanet 154, MedGen C3553409, MONDO:0013848, OMIM 614672.
Cardiovascular phenotype. Identifiers: MedGen CN230736.

gnomAD v4.1: 2 of 1,605,562 alleles (0.00012%); highest among the groups gnomAD compares: African/African-American, 0.0013%; no homozygotes.

Submissions (2):

Ambry Genetics
Classification: Uncertain significance for Cardiovascular phenotype. Last evaluated: 2025-07-21. Review status: criteria provided, single submitter. Criteria: Ambry Variant Classification Scheme 2023. Collection method: clinical testing. Allele origin: germline.
Comment: The p.I127V variant (also known as c.379A>G), located in coding exon 3 of the GATAD1 gene, results from an A to G substitution at nucleotide position 379. The isoleucine at codon 127 is replaced by valine, an amino acid with highly similar properties. This amino acid position is conserved. In addition, the in silico prediction for this alteration is inconclusive. Based on the available evidence, the clinical significance of this variant remains unclear.

Labcorp Genetics (formerly Invitae), Labcorp
Classification: Uncertain significance for Dilated cardiomyopathy 2B. Last evaluated: 2024-05-19. Review status: criteria provided, single submitter. Criteria: Invitae Variant Classification Sherloc (09022015). Collection method: clinical testing. Allele origin: germline.
Comment: This sequence change replaces isoleucine, which is neutral and non-polar, with valine, which is neutral and non-polar, at codon 127 of the GATAD1 protein (p.Ile127Val). This variant is not present in population databases (gnomAD no frequency). This variant has not been reported in the literature in individuals affected with GATAD1-related conditions. Advanced modeling of protein sequence and biophysical properties (such as structural, functional, and spatial information, amino acid conservation, physicochemical variation, residue mobility, and thermodynamic stability) performed at Invitae indicates that this missense variant is not expected to disrupt GATAD1 protein function with a negative predictive value of 80%. In summary, the available evidence is currently insufficient to determine the role of this variant in disease. Therefore, it has been classified as a Variant of Uncertain Significance.